The following is an entry in ClinVar:

NM_024514.5(CYP2R1):c.1097A>G (p.His366Arg)

Genes: CYP2R1 (cytochrome P450 family 2 subfamily R member 1; minus strand), PDE3B (phosphodiesterase 3B; plus strand). Cytogenetic location: 11p15.2.
Variant type: single nucleotide variant.
Coding change: c.1097A>G on transcript NM_024514.5 (MANE Select); coding-DNA position 1097, A replaced by G.
Protein change: p.His366Arg; replaces histidine 366 with arginine.
Molecular consequence: missense variant. On other transcripts: intron variant (2).
Genome position (GRCh38, 1-based): chr11:14,879,347, T>C on the plus strand (A>G on the coding strand, the complement: CYP2R1 is on the minus strand). VCF-style: chr11-14879347-T-C. GRCh37 (hg19) VCF-style: chr11-14900893-T-C.
Other names: c.752A>G, p.His251Arg (NM_001377214.1, NM_001377215.1, NM_001377216.1 and 5 more transcripts); c.935A>G, p.His312Arg (NM_001377217.1); c.398A>G, p.His133Arg (NM_001400562.1, NM_001400563.1, NM_001400564.1 and 1 more transcripts); c.119A>G, p.His40Arg (NM_001400566.1); c.953A>G, p.His318Arg (NM_001400567.1); c.1052A>G, p.His351Arg (NM_001400568.1); c.2886+17981T>C (NM_001429700.1, NM_001429699.1); short protein forms H133R, H251R, H312R, H318R, H351R, H366R, H40R.
Identifiers: ClinVar variation 4853558 (VCV004853558.1).

ClinVar aggregate classification (germline): Uncertain significance (1 of 4 stars; one submission).

gnomAD v4.1: 1 of 1,612,494 alleles (0.000062%); highest among the groups gnomAD compares: Non-Finnish European, 0.000085%; no homozygotes.

Submission:

Women's Health and Genetics/Laboratory Corporation of America, LabCorp
Classification: Uncertain significance. Last evaluated: 2026-05-05. Review status: criteria provided, single submitter. Criteria: LabCorp Variant Classification Summary - May 2015. Collection method: clinical testing. Allele origin: germline.
Comment: Variant summary: CYP2R1 c.1097A>G (p.His366Arg) results in a non-conservative amino acid change in the encoded protein sequence. Algorithms developed to predict the effect of missense changes on protein structure and function are either unavailable or do not agree on the potential impact of this missense change. The variant was absent in 249746 control chromosomes. The available data on variant occurrences in the general population are insufficient to allow any conclusion about variant significance. To our knowledge, no occurrence of c.1097A>G in individuals affected with CYP2R1-related conditions and no experimental evidence demonstrating its impact on protein function have been reported. No submitters have cited clinical-significance assessments for this variant to ClinVar. Based on the evidence outlined above, the variant was classified as uncertain significance.